The following is an entry in ClinVar:

ClinVar aggregate classification (germline): Likely benign (0 of 4 stars; one submission).

Conditions:
DMBX1-related disorder. Also called: DMBX1-related condition.

Allele frequency attached by ClinVar (database versions not stated): 1000 Genomes Project 30x 0.00094; 1000 Genomes Project 0.00100; gnomAD 0.00158; TOPMed 0.00162; ESP Exome Variant Server 0.00169.
gnomAD v4.1: 3,488 of 1,614,044 alleles (0.22%); highest among the groups gnomAD compares: Non-Finnish European, 0.28%; 7 homozygotes.

Submission:

PreventionGenetics, part of Exact Sciences
Classification: Likely benign for DMBX1-related condition. Last evaluated: 2022-06-16. Review status: no assertion criteria provided. Collection method: clinical testing. Allele origin: germline.
Comment: This variant is classified as likely benign based on ACMG/AMP sequence variant interpretation guidelines (Richards et al. 2015 PMID: 25741868, with internal and published modifications).

NM_172225.2(DMBX1):c.854G>C (p.Gly285Ala)

Gene: DMBX1 (diencephalon/mesencephalon homeobox 1; plus strand). Cytogenetic location: 1p33.
Variant type: single nucleotide variant.
Coding change: c.854G>C on transcript NM_172225.2 (MANE Select); coding-DNA position 854, G replaced by C.
Protein change: p.Gly285Ala; replaces glycine 285 with alanine.
Molecular consequence: missense variant.
Genome position (GRCh38, 1-based): chr1:46,512,214, G>C. VCF-style: chr1-46512214-G-C. GRCh37 (hg19) VCF-style: chr1-46977886-G-C.
Other names: c.854G>C, p.Gly285Ala (NM_001387775.1); c.869G>C, p.Gly290Ala (NM_001387776.1, NM_147192.4); short protein forms G285A, G290A.
Identifiers: ClinVar variation 3049412 (VCV003049412.2), dbSNP rs114486361, ClinGen allele CA836762.